The following is an entry in ClinVar:

NM_001283009.2(RTEL1):c.802A>G (p.Thr268Ala)

Genes: RTEL1 (regulator of telomere elongation helicase 1; plus strand), RTEL1-TNFRSF6B (RTEL1-TNFRSF6B readthrough (NMD candidate); plus strand). Cytogenetic location: 20q13.33.
Variant type: single nucleotide variant.
Coding change: c.802A>G on transcript NM_001283009.2 (MANE Select); coding-DNA position 802, A replaced by G.
Protein change: p.Thr268Ala; replaces threonine 268 with alanine.
Molecular consequence: missense variant. On other transcripts: non-coding transcript variant (1).
Genome position (GRCh38, 1-based): chr20:63,673,976, A>G. VCF-style: chr20-63673976-A-G. GRCh37 (hg19) VCF-style: chr20-62305329-A-G.
Other names: c.133A>G, p.Thr45Ala (NM_001283010.1); c.802A>G, p.Thr268Ala (NM_016434.4); c.874A>G, p.Thr292Ala (NM_032957.5); short protein forms T268A, T292A, T45A.
Identifiers: ClinVar variation 855090 (VCV000855090.10), dbSNP rs115889392, ClinGen allele CA9964456.

ClinVar aggregate classification (germline): Uncertain significance. Review status: criteria provided, multiple submitters, no conflicts (2 of 4 stars). 3 submissions from 3 submitters: Uncertain significance (2). 1 of the submissions does not count toward it. Last evaluated 2024-09-23.

Conditions:
Pulmonary fibrosis and/or bone marrow failure, Telomere-related, 3. Also called: PULMONARY FIBROSIS AND/OR BONE MARROW FAILURE SYNDROME, TELOMERE-RELATED, 3. Identifiers: Orphanet 2032, MedGen C4225346, MONDO:0014613, OMIM 616373.
Dyskeratosis congenita, autosomal recessive 5 (DKCB5). Identifiers: MedGen C3554656, MONDO:0014076, OMIM 615190.
Dyskeratosis congenita. Identifiers: Orphanet 1775, MedGen C0265965, MONDO:0015780.

Allele frequency attached by ClinVar (database versions not stated): 1000 Genomes Project 30x 0.00047; 1000 Genomes Project 0.00060; gnomAD exomes below 0.00001 and 0.00001; ExAC 0.00001; gnomAD 0.00002.
gnomAD v4.1: 18 of 1,613,464 alleles (0.0011%); highest among the groups gnomAD compares: African/African-American, 0.021%; no homozygotes.

Submissions (3):

Blueprint Genetics
Classification: Uncertain significance. Last evaluated: 2024-09-23. Review status: criteria provided, single submitter. Criteria: ACMG Guidelines, 2015. Collection method: clinical testing. Allele origin: germline.

Labcorp Genetics (formerly Invitae), Labcorp
Classification: Uncertain significance for Dyskeratosis congenita, autosomal recessive 5; Pulmonary fibrosis and/or bone marrow failure, Telomere-related, 3. Last evaluated: 2024-02-17. Review status: criteria provided, single submitter. Criteria: Invitae Variant Classification Sherloc (09022015). Collection method: clinical testing. Allele origin: germline.
Comment: This sequence change replaces threonine, which is neutral and polar, with alanine, which is neutral and non-polar, at codon 268 of the RTEL1 protein (p.Thr268Ala). This variant is present in population databases (rs115889392, gnomAD 0.007%). This variant has not been reported in the literature in individuals affected with RTEL1-related conditions. ClinVar contains an entry for this variant (Variation ID: 855090). An algorithm developed to predict the effect of missense changes on protein structure and function (PolyPhen-2) suggests that this variant is likely to be disruptive. In summary, the available evidence is currently insufficient to determine the role of this variant in disease. Therefore, it has been classified as a Variant of Uncertain Significance.

Natera, Inc.
Classification: Uncertain significance for Dyskeratosis congenita. Last evaluated: 2020-09-16. Review status: no assertion criteria provided. Collection method: clinical testing. Allele origin: germline. Not counted in ClinVar's aggregate classification.